The following is an entry in ClinVar:

ClinVar aggregate classification (germline): Uncertain significance (1 of 4 stars; one submission).

Conditions:
HYPERHOMOCYSTEINEMIA, THROMBOTIC, CBS-RELATED. Identifiers: MedGen C3150344, OMIM 236200.

Submission:

Labcorp Genetics (formerly Invitae), Labcorp
Classification: Uncertain significance for HYPERHOMOCYSTEINEMIA, THROMBOTIC, CBS-RELATED. Last evaluated: 2021-02-23. Review status: criteria provided, single submitter. Criteria: Invitae Variant Classification Sherloc (09022015). Collection method: clinical testing. Allele origin: germline.
Comment: This variant is not present in population databases (ExAC no frequency) and has not been reported in the literature in individuals with a CBS-related disease. This sequence change replaces isoleucine with threonine at codon 286 of the CBS protein (p.Ile286Thr). The isoleucine residue is moderately conserved and there is a moderate physicochemical difference between isoleucine and threonine. In summary, this variant is a novel missense change with uncertain impact on protein function. It has been classified as a Variant of Uncertain Significance. Algorithms developed to predict the effect of missense changes on protein structure and function do not agree on the potential impact of this missense change (SIFT: "Deleterious"; PolyPhen-2: "Possibly Damaging"; Align-GVGD: "Class C0").

NM_000071.3(CBS):c.857T>C (p.Ile286Thr)

Gene: CBS (cystathionine beta-synthase; minus strand). Cytogenetic location: 21q22.3.
Variant type: single nucleotide variant.
Coding change: c.857T>C on transcript NM_000071.3 (MANE Select); coding-DNA position 857, T replaced by C.
Protein change: p.Ile286Thr; replaces isoleucine 286 with threonine.
Molecular consequence: missense variant.
Genome position (GRCh38, 1-based): chr21:43,063,050, A>G on the plus strand (T>C on the coding strand, the complement: CBS is on the minus strand). VCF-style: chr21-43063050-A-G. GRCh37 (hg19) VCF-style: chr21-44483160-A-G.
Other names: c.857T>C, p.Ile286Thr (NM_001178008.3, NM_001178009.3, NM_001320298.2); c.542T>C, p.Ile181Thr (NM_001321072.1); short protein forms I286T, I181T.
Identifiers: ClinVar variation 405372 (VCV000405372.10), dbSNP rs1060500681, ClinGen allele CA16616516.